The following is an entry in ClinVar:

ClinVar aggregate classification (germline): Uncertain significance (1 of 4 stars; one submission).

Conditions:
Pitt-Hopkins-like syndrome 2 (PTHSL2). Identifiers: Orphanet 221150, Orphanet 600663, MedGen C3280479, MONDO:0013690, OMIM 614325.

Submission:

Labcorp Genetics (formerly Invitae), Labcorp
Classification: Uncertain significance for Pitt-Hopkins-like syndrome 2. Last evaluated: 2022-02-09. Review status: criteria provided, single submitter. Criteria: Invitae Variant Classification Sherloc (09022015). Collection method: clinical testing. Allele origin: germline.
Comment: This variant is not present in population databases (gnomAD no frequency). In summary, the available evidence is currently insufficient to determine the role of this variant in disease. Therefore, it has been classified as a Variant of Uncertain Significance. Algorithms developed to predict the effect of missense changes on protein structure and function (SIFT, PolyPhen-2, Align-GVGD) all suggest that this variant is likely to be tolerated. This variant has not been reported in the literature in individuals affected with NRXN1-related conditions. This sequence change replaces isoleucine, which is neutral and non-polar, with valine, which is neutral and non-polar, at codon 1315 of the NRXN1 protein (p.Ile1315Val).

NM_001330078.2(NRXN1):c.3823A>G (p.Ile1275Val)

Gene: NRXN1 (neurexin 1; minus strand). Cytogenetic location: 2p16.3.
Variant type: single nucleotide variant.
Coding change: c.3823A>G on transcript NM_001330078.2 (MANE Select); coding-DNA position 3823, A replaced by G.
Protein change: p.Ile1275Val; replaces isoleucine 1275 with valine.
Molecular consequence: missense variant.
Genome position (GRCh38, 1-based): chr2:50,053,576, T>C on the plus strand (A>G on the coding strand, the complement: NRXN1 is on the minus strand). VCF-style: chr2-50053576-T-C. GRCh37 (hg19) VCF-style: chr2-50280714-T-C.
Other names: c.3943A>G, p.Ile1315Val (NM_001135659.3); c.3799A>G, p.Ile1267Val (NM_001330077.2, NM_001330082.2); c.3667A>G, p.Ile1223Val (NM_001330083.2); c.3757A>G, p.Ile1253Val (NM_001330084.2); c.3796A>G, p.Ile1266Val (NM_001330085.2); c.3823A>G, p.Ile1275Val (NM_001330086.2); c.3622A>G, p.Ile1208Val (NM_001330087.2, NM_001330096.2); c.3652A>G, p.Ile1218Val (NM_001330088.2); and 6 more; short protein forms I1208V, I1218V, I1223V, I1228V, I1267V, I1275V, I1315V, I210V.
Identifiers: ClinVar variation 1954589 (VCV001954589.5), dbSNP rs1277075596, ClinGen allele CA346819979.